The following is an entry in ClinVar:

NM_006206.6(PDGFRA):c.2116G>T (p.Asp706Tyr)

Gene: PDGFRA (platelet derived growth factor receptor alpha; plus strand). Cytogenetic location: 4q12.
Variant type: single nucleotide variant.
Coding change: c.2116G>T on transcript NM_006206.6 (MANE Select); coding-DNA position 2116, G replaced by T.
Protein change: p.Asp706Tyr; replaces aspartic acid 706 with tyrosine.
Molecular consequence: missense variant.
Genome position (GRCh38, 1-based): chr4:54,278,475, G>T. VCF-style: chr4-54278475-G-T. GRCh37 (hg19) VCF-style: chr4-55144642-G-T.
Other names: c.2116G>T, p.Asp706Tyr (NM_001347827.2, NM_001347829.2); c.2191G>T, p.Asp731Tyr (NM_001347828.2); c.2155G>T, p.Asp719Tyr (NM_001347830.2); short protein forms D706Y, D719Y, D731Y.
Identifiers: ClinVar variation 1786183 (VCV001786183.9), dbSNP rs1221698264, ClinGen allele CA356894085.

ClinVar aggregate classification (germline): Uncertain significance. Review status: criteria provided, multiple submitters, no conflicts (2 of 4 stars). 3 submissions from 3 submitters: Uncertain significance (3). Last evaluated 2025-06-12.

Conditions:
Polyps, multiple and recurrent inflammatory fibroid, gastrointestinal. Identifiers: MedGen C5193005, MONDO:0008285, OMIM 175510.
Gastrointestinal stromal tumor. Also called: Gastrointestinal stromal tumor, somatic; Gastrointestinal stroma tumor. Identifiers: Orphanet 44890, MedGen C0238198, MeSH D046152, MONDO:0011719, OMIM 606764, HP:0100723.
Hereditary cancer-predisposing syndrome. Also called: Neoplastic Syndromes, Hereditary; Tumor predisposition; Hereditary Cancer Syndrome; Hereditary neoplastic syndrome. Identifiers: Orphanet 140162, MedGen C0027672, MeSH D009386, MONDO:0015356.

Allele frequency attached by ClinVar (database versions not stated): gnomAD exomes below 0.00001.
gnomAD v4.1: 4 of 1,613,992 alleles (0.00025%); highest among the groups gnomAD compares: South Asian, 0.0044%; no homozygotes.

Submissions (3):

Labcorp Genetics (formerly Invitae), Labcorp
Classification: Uncertain significance for Gastrointestinal stromal tumor. Last evaluated: 2025-06-12. Review status: criteria provided, single submitter. Criteria: Invitae Variant Classification Sherloc (09022015). Collection method: clinical testing. Allele origin: germline.
Comment: This sequence change replaces aspartic acid, which is acidic and polar, with tyrosine, which is neutral and polar, at codon 706 of the PDGFRA protein (p.Asp706Tyr). This variant is not present in population databases (gnomAD no frequency). This variant has not been reported in the literature in individuals affected with PDGFRA-related conditions. ClinVar contains an entry for this variant (Variation ID: 1786183). An algorithm developed to predict the effect of missense changes on protein structure and function (PolyPhen-2) suggests that this variant is likely to be disruptive. In summary, the available evidence is currently insufficient to determine the role of this variant in disease. Therefore, it has been classified as a Variant of Uncertain Significance.

Ambry Genetics
Classification: Uncertain significance for Hereditary cancer-predisposing syndrome. Last evaluated: 2024-09-30. Review status: criteria provided, single submitter. Criteria: Ambry Variant Classification Scheme 2023. Collection method: clinical testing. Allele origin: germline.
Comment: The p.D706Y variant (also known as c.2116G>T), located in coding exon 14 of the PDGFRA gene, results from a G to T substitution at nucleotide position 2116. The aspartic acid at codon 706 is replaced by tyrosine, an amino acid with highly dissimilar properties. This amino acid position is conserved. In addition, this alteration is predicted to be deleterious by in silico analysis. Since supporting evidence is limited at this time, the clinical significance of this alteration remains unclear.

Baylor Genetics
Classification: Uncertain significance for Polyps, multiple and recurrent inflammatory fibroid, gastrointestinal. Last evaluated: 2023-07-23. Review status: criteria provided, single submitter. Criteria: ACMG Guidelines, 2015. Collection method: clinical testing. Allele origin: unknown.